The following is an entry in ClinVar:

NM_000548.5(TSC2):c.2009del (p.Pro670fs)

Gene: TSC2 (TSC complex subunit 2; plus strand). Cytogenetic location: 16p13.3.
Variant type: Deletion.
Coding change: c.2009del on transcript NM_000548.5 (MANE Select); coding-DNA position 2009, one base deleted (C; older notation c.2009delC).
Protein change: p.Pro670fs; shifts the reading frame from proline 670.
Molecular consequence: frameshift variant.
Genome position (GRCh38, 1-based): chr16:2,071,846, C deleted; the last of 2 consecutive C bases (chr16:2,071,845-2,071,846); deleting either gives the same sequence. VCF-style (leftmost placement, unchanged base first): chr16-2071844-TC-T. GRCh37 (hg19) VCF-style: chr16-2121845-TC-T.
Other names: c.2009del, p.Pro670fs (NM_001077183.3, NM_001114382.3, NM_001363528.2 and 3 more transcripts); c.1898del, p.Pro633fs (NM_001318827.2); c.1862del, p.Pro621fs (NM_001318829.2); c.1409del, p.Pro470fs (NM_001318831.2); c.2042del, p.Pro681fs (NM_001318832.2); short protein forms P470fs, P621fs, P681fs, P633fs, P670fs.
Identifiers: ClinVar variation 406011 (VCV000406011.9), dbSNP rs1060500934, ClinGen allele CA16614930.

ClinVar aggregate classification (germline): Pathogenic (1 of 4 stars; one submission).

Conditions:
Tuberous sclerosis 2 (TSC2). Identifiers: Orphanet 805, MedGen C1860707, MONDO:0013199, OMIM 613254.

Submission:

Labcorp Genetics (formerly Invitae), Labcorp
Classification: Pathogenic for Tuberous sclerosis 2. Last evaluated: 2016-08-20. Review status: criteria provided, single submitter. Criteria: Invitae Variant Classification Sherloc (09022015). Collection method: clinical testing. Allele origin: germline.
Comment: This sequence change deletes 1 nucleotide from exon 19 of the TSC2 mRNA (c.2009delC), causing a frameshift at codon 670. This creates a premature translational stop signal (p.Pro670Leufs*28) and is expected to result in an absent or disrupted protein product. For these reasons, this variant has been classified as Pathogenic. While this particular variant has not been reported in the literature, loss-of-function variants in TSC2 are known to be pathogenic (PMID: 10205261, 17304050).

Literature cited by the submitters: PubMed 10205261; PubMed 17304050.